The following is an entry in ClinVar:

ClinVar aggregate classification (germline): Uncertain significance. Review status: criteria provided, multiple submitters, no conflicts (2 of 4 stars). 3 submissions from 3 submitters: Uncertain significance (3). Last evaluated 2023-01-16.

Conditions:
Hereditary hyperekplexia. Identifiers: Orphanet 3197, MedGen C4084968, MONDO:0021022.
Inborn genetic diseases. Identifiers: MedGen C0950123, MeSH D030342.
Hyperekplexia 1 (STHE). Also called: KOK DISEASE; STARTLE DISEASE, FAMILIAL; STIFF-BABY SYNDROME; STIFF-MAN SYNDROME, CONGENITAL; STIFF-PERSON SYNDROME, CONGENITAL; HYPEREKPLEXIA 1, AUTOSOMAL DOMINANT. Identifiers: Orphanet 3197, MedGen C4551954, MONDO:0007868, OMIM 149400.

Allele frequency attached by ClinVar (database versions not stated): gnomAD 0.00002; gnomAD exomes 0.00002; TOPMed 0.00002.
gnomAD v4.1: 34 of 1,613,950 alleles (0.0021%); highest among the groups gnomAD compares: African/African-American, 0.004%; no homozygotes.

Submissions (3):

Labcorp Genetics (formerly Invitae), Labcorp
Classification: Uncertain significance for Hereditary hyperekplexia. Last evaluated: 2023-01-16. Review status: criteria provided, single submitter. Criteria: Invitae Variant Classification Sherloc (09022015). Collection method: clinical testing. Allele origin: germline.
Comment: In summary, the available evidence is currently insufficient to determine the role of this variant in disease. Therefore, it has been classified as a Variant of Uncertain Significance. Advanced modeling of protein sequence and biophysical properties (such as structural, functional, and spatial information, amino acid conservation, physicochemical variation, residue mobility, and thermodynamic stability) has been performed at Invitae for this missense variant, however the output from this modeling did not meet the statistical confidence thresholds required to predict the impact of this variant on GLRA1 protein function. ClinVar contains an entry for this variant (Variation ID: 464183). This variant has not been reported in the literature in individuals affected with GLRA1-related conditions. This variant is present in population databases (no rsID available, gnomAD 0.006%). This sequence change replaces arginine, which is basic and polar, with glutamine, which is neutral and polar, at codon 337 of the GLRA1 protein (p.Arg337Gln).

Ambry Genetics
Classification: Uncertain significance for Inborn genetic diseases. Last evaluated: 2023-01-10. Review status: criteria provided, single submitter. Criteria: Ambry Variant Classification Scheme 2023. Collection method: clinical testing. Allele origin: germline.

Illumina Laboratory Services, Illumina
Classification: Uncertain significance for Hyperekplexia 1. Last evaluated: 2018-01-13. Review status: criteria provided, single submitter. Criteria: ICSL Variant Classification Criteria 13 December 2019. Collection method: clinical testing. Allele origin: germline.

NM_000171.4(GLRA1):c.1010G>A (p.Arg337Gln)

Gene: GLRA1 (glycine receptor alpha 1; minus strand). Cytogenetic location: 5q33.1.
Variant type: single nucleotide variant.
Coding change: c.1010G>A on transcript NM_000171.4 (MANE Select); coding-DNA position 1010, G replaced by A.
Protein change: p.Arg337Gln; replaces arginine 337 with glutamine.
Molecular consequence: missense variant.
Genome position (GRCh38, 1-based): chr5:151,828,970, C>T on the plus strand (G>A on the coding strand, the complement: GLRA1 is on the minus strand). VCF-style: chr5-151828970-C-T. GRCh37 (hg19) VCF-style: chr5-151208531-C-T.
Other names: c.1010G>A, p.Arg337Gln (NM_001146040.2); c.761G>A, p.Arg254Gln (NM_001292000.2); short protein forms R337Q, R254Q.
Identifiers: ClinVar variation 464183 (VCV000464183.16), dbSNP rs1169119477, ClinGen allele CA361851451.